The following is an entry in ClinVar:

NM_000535.7(PMS2):c.1578C>G (p.Asp526Glu)

Gene: PMS2 (PMS1 homolog 2, mismatch repair system component; minus strand). Cytogenetic location: 7p22.1.
Variant type: single nucleotide variant.
Coding change: c.1578C>G on transcript NM_000535.7 (MANE Select); coding-DNA position 1578, C replaced by G.
Protein change: p.Asp526Glu; replaces aspartic acid 526 with glutamic acid.
Molecular consequence: missense variant. On other transcripts: non-coding transcript variant (1).
Genome position (GRCh38, 1-based): chr7:5,987,187, G>C on the plus strand (C>G on the coding strand, the complement: PMS2 is on the minus strand). VCF-style: chr7-5987187-G-C. GRCh37 (hg19) VCF-style: chr7-6026818-G-C.
Other names: c.1173C>G, p.Asp391Glu (NM_001322003.2, NM_001322004.2, NM_001322005.2 and 1 more transcripts); c.1422C>G, p.Asp474Glu (NM_001322006.2); c.1260C>G, p.Asp420Glu (NM_001322007.2, NM_001322008.2); c.1017C>G, p.Asp339Glu (NM_001322010.2); c.645C>G, p.Asp215Glu (NM_001322011.2, NM_001322012.2); c.1005C>G, p.Asp335Glu (NM_001322013.2); c.1578C>G, p.Asp526Glu (NM_001322014.2); c.1269C>G, p.Asp423Glu (NM_001322015.2); short protein forms D526E, D215E, D391E, D474E, D420E, D423E, D339E, D335E.
Identifiers: ClinVar variation 216452 (VCV000216452.14), dbSNP rs63750236, ClinGen allele CA338546.

ClinVar aggregate classification (germline): Uncertain significance. Review status: criteria provided, multiple submitters, no conflicts (2 of 4 stars). 3 submissions from 3 submitters: Uncertain significance (3). Last evaluated 2025-05-30.

Conditions:
Hereditary nonpolyposis colorectal neoplasms. Identifiers: MedGen C0009405, MeSH D003123.
Hereditary cancer-predisposing syndrome. Also called: Hereditary Cancer Syndrome; Hereditary neoplastic syndrome; Neoplastic Syndromes, Hereditary; Tumor predisposition. Identifiers: Orphanet 140162, MedGen C0027672, MeSH D009386, MONDO:0015356.

Submissions (3):

Ambry Genetics
Classification: Uncertain significance for Hereditary cancer-predisposing syndrome. Last evaluated: 2025-05-30. Review status: criteria provided, single submitter. Criteria: Ambry Variant Classification Scheme 2023. Collection method: clinical testing. Allele origin: germline.
Comment: The p.D526E variant (also known as c.1578C>G), located in coding exon 11 of the PMS2 gene, results from a C to G substitution at nucleotide position 1578. The aspartic acid at codon 526 is replaced by glutamic acid, an amino acid with highly similar properties. This variant was identified in 1 of 1009 patients amongst a cohort of Chinese patients with a personal history of pancreatic ductal adenocarcinoma (Yin L et al. JAMA Netw Open, 2022 Feb;5:e2148721). This amino acid position is well conserved in available vertebrate species. In addition, this alteration is predicted to be tolerated by in silico analysis. Based on the available evidence, the clinical significance of this variant remains unclear.

Color Diagnostics, LLC DBA Color Health
Classification: Uncertain significance for Hereditary cancer-predisposing syndrome. Last evaluated: 2019-01-24. Review status: criteria provided, single submitter. Criteria: ACMG Guidelines, 2015. Collection method: clinical testing. Allele origin: germline.

Labcorp Genetics (formerly Invitae), Labcorp
Classification: Uncertain significance for Hereditary nonpolyposis colorectal neoplasms. Last evaluated: 2015-04-22. Review status: criteria provided, single submitter. Criteria: Invitae Variant Classification Sherloc (09022015). Collection method: clinical testing. Allele origin: germline.
Comment: This sequence change replaces aspartic acid with glutamic acid at codon 526 of the PMS2 protein (p.Asp526Glu). The aspartic acid residue is weakly conserved and there is a small physicochemical difference between aspartic acid and glutamic acid. In summary, this is a novel missense change that is not predicted to affect protein function or cause disease. However, the evidence is insufficient at this time to prove that conclusively. It has been classified as a Variant of Uncertain Significance. General algorithms developed to predict the effect of missense changes on protein structure and function (SIFT, PolyPhen-2, Align-GVGD) and an algorithm developed specifically for mismatch repair genes including the PMS2 (PMID: 22949387) all suggest that this missense change is likely to be tolerated, although these predictions have not been confirmed by published functional studies. This variant has not been published in the literature and is not present in population databases.

Literature cited by the submitters: PubMed 35171259 (cited by Ambry Genetics); PubMed 22949387 (cited by Labcorp Genetics (formerly Invitae), Labcorp).